The following is an entry in ClinVar:

ClinVar aggregate classification (germline): Likely benign (0 of 4 stars; one submission).

Conditions:
ACVR2B-related disorder. Also called: ACVR2B-related condition.

Allele frequency attached by ClinVar (database versions not stated): gnomAD 0.00001.

Submission:

PreventionGenetics, part of Exact Sciences
Classification: Likely benign for ACVR2B-related condition. Last evaluated: 2022-11-19. Review status: no assertion criteria provided. Collection method: clinical testing. Allele origin: germline.
Comment: This variant is classified as likely benign based on ACMG/AMP sequence variant interpretation guidelines (Richards et al. 2015 PMID: 25741868, with internal and published modifications).

NM_001106.4(ACVR2B):c.52+9_52+10del

Genes: ACVR2B (activin A receptor type 2B; plus strand), ACVR2B-AS1 (ACVR2B antisense RNA 1; minus strand), LOC129936486 (ATAC-STARR-seq lymphoblastoid silent region 14212; plus strand). Cytogenetic location: 3p22.2.
Variant type: Deletion.
Coding change: c.52+9_52+10del on transcript NM_001106.4 (MANE Select); bases 9 to 10 of the intron after coding-DNA position 52, 2 bases deleted (TG; older notation c.52+9_52+10delTG).
Molecular consequence: intron variant.
Genome position (GRCh38, 1-based): chr3:38,454,383-38,454,384, TG deleted. VCF-style (leftmost placement, unchanged base first): chr3-38454382-CTG-C. GRCh37 (hg19) VCF-style: chr3-38495873-CTG-C.
Identifiers: ClinVar variation 3054394 (VCV003054394.2), dbSNP rs1709504660, ClinGen allele CA1046999354.